The following is an entry in ClinVar:

ClinVar aggregate classification (germline): Uncertain significance (1 of 4 stars; one submission).

Conditions:
Perlman syndrome (PRLMNS). Identifiers: Orphanet 2849, MedGen C0796113, MONDO:0009965, OMIM 267000.

Submission:

Labcorp Genetics (formerly Invitae), Labcorp
Classification: Uncertain significance for Perlman syndrome. Last evaluated: 2020-03-18. Review status: criteria provided, single submitter. Criteria: Invitae Variant Classification Sherloc (09022015). Collection method: clinical testing. Allele origin: germline.
Comment: Experimental studies and prediction algorithms are not available or were not evaluated, and the functional significance of this variant is currently unknown. This sequence change results in a premature translational stop signal in the DIS3L2 gene (p.Leu818Hisfs*7). While this is not anticipated to result in nonsense mediated decay, it is expected to disrupt the last 68 amino acids of the DIS3L2 protein. This variant is not present in population databases (ExAC no frequency). This variant has not been reported in the literature in individuals with DIS3L2-related conditions. In summary, the available evidence is currently insufficient to determine the role of this variant in disease. Therefore, it has been classified as a Variant of Uncertain Significance.

NM_152383.5(DIS3L2):c.2447_2450dup (p.Leu818fs)

Gene: DIS3L2 (DIS3 like 3'-5' exoribonuclease 2; plus strand). Cytogenetic location: 2q37.1.
Variant type: Duplication.
Coding change: c.2447_2450dup on transcript NM_152383.5 (MANE Select); coding-DNA positions 2447 to 2450, 4 bases duplicated (TCAC; older notation c.2447_2450dupTCAC).
Protein change: p.Leu818fs; shifts the reading frame from leucine 818.
Molecular consequence: frameshift variant. On other transcripts: non-coding transcript variant (2), intron variant (1).
Genome position (GRCh38, 1-based): chr2:232,335,825-232,335,828, TCAC duplicated; duplicating any 4 consecutive bases within chr2:232,335,823-232,335,828 gives the same sequence; the c. name uses the placement nearest the transcript's 3' end. VCF-style (leftmost placement, unchanged base first): chr2-232335822-A-AACTC. GRCh37 (hg19) VCF-style: chr2-233200532-A-AACTC.
Other names: c.1582-7520_1582-7517dup (NM_001257281.2); short protein forms L818fs.
Identifiers: ClinVar variation 1011260 (VCV001011260.7), dbSNP rs1695925532, ClinGen allele CA1335215817.